The following is an entry in ClinVar:

NM_001267550.2(TTN):c.87337G>A (p.Gly29113Arg)

Genes: TTN (titin; minus strand), TTN-AS1 (TTN antisense RNA 1; plus strand). Cytogenetic location: 2q31.2.
Variant type: single nucleotide variant.
Coding change: c.87337G>A on transcript NM_001267550.2 (MANE Select); coding-DNA position 87337, G replaced by A.
Protein change: p.Gly29113Arg; replaces glycine 29113 with arginine.
Molecular consequence: missense variant.
Genome position (GRCh38, 1-based): chr2:178,558,017, C>T on the plus strand (G>A on the coding strand, the complement: TTN is on the minus strand). VCF-style: chr2-178558017-C-T. GRCh37 (hg19) VCF-style: chr2-179422744-C-T.
Other names: p.Gly27472Arg; c.82414G>A, p.Gly27472Arg (NM_001256850.1); c.60142G>A, p.Gly20048Arg (NM_003319.4); c.79633G>A, p.Gly26545Arg (NM_133378.4); c.60517G>A, p.Gly20173Arg (NM_133432.3); c.60718G>A, p.Gly20240Arg (NM_133437.4); short protein forms G20048R, G20173R, G20240R, G26545R, G27472R, G29113R.
Identifiers: ClinVar variation 2682764 (VCV002682764.1), dbSNP rs373526664, ClinGen allele CA349537128.
Genomic context (GRCh38, chr2:178,558,017, plus strand): 5'-CAATGTTAATGAAAGCTTTGGTTGTACCACTGGAGTTGGCAGCAGTGATTTCATATCTCC[C>T]AGCGTCAGCTGTAACACTTTCTTTGAGATTGATGGTCAGGTTCTCAGCAGTAATTTCGGT-3'
Protein context (NP_001254479.2, residues 29103-29123): NLKESVTADA[Gly29113Arg]RYEITAANSS

ClinVar aggregate classification (germline): Uncertain significance (1 of 4 stars; one submission).

Submission:

Mayo Clinic Laboratories, Mayo Clinic
Classification: Uncertain significance. Last evaluated: 2023-04-17. Review status: criteria provided, single submitter. Criteria: ACMG Guidelines, 2015. Collection method: clinical testing. Allele origin: germline. Observed: 1 variant allele.
Comment: PM2_supporting